The following is an entry in ClinVar:

NM_005431.2(XRCC2):c.586C>A (p.Gln196Lys)

Gene: XRCC2 (X-ray repair cross complementing 2; minus strand). Cytogenetic location: 7q36.1.
Variant type: single nucleotide variant.
Coding change: c.586C>A on transcript NM_005431.2 (MANE Select); coding-DNA position 586, C replaced by A.
Protein change: p.Gln196Lys; replaces glutamine 196 with lysine.
Molecular consequence: missense variant.
Genome position (GRCh38, 1-based): chr7:152,648,899, G>T on the plus strand (C>A on the coding strand, the complement: XRCC2 is on the minus strand). VCF-style: chr7-152648899-G-T. GRCh37 (hg19) VCF-style: chr7-152345984-G-T.
Other names: short protein forms Q196K.
Identifiers: ClinVar variation 643936 (VCV000643936.8), dbSNP rs1590129392, ClinGen allele CA370198377.

ClinVar aggregate classification (germline): Uncertain significance (1 of 4 stars; one submission).

Submission:

Labcorp Genetics (formerly Invitae), Labcorp
Classification: Uncertain significance. Last evaluated: 2018-11-28. Review status: criteria provided, single submitter. Criteria: Invitae Variant Classification Sherloc (09022015). Collection method: clinical testing. Allele origin: germline.
Comment: In summary, the available evidence is currently insufficient to determine the role of this variant in disease. Therefore, it has been classified as a Variant of Uncertain Significance. Algorithms developed to predict the effect of missense changes on protein structure and function (SIFT, PolyPhen-2, Align-GVGD) all suggest that this variant is likely to be disruptive, but these predictions have not been confirmed by published functional studies and their clinical significance is uncertain. This variant has not been reported in the literature in individuals with XRCC2-related conditions. This variant is not present in population databases (ExAC no frequency). This sequence change replaces glutamine with lysine at codon 196 of the XRCC2 protein (p.Gln196Lys). The glutamine residue is highly conserved and there is a small physicochemical difference between glutamine and lysine.